The following is an entry in ClinVar:

NM_002227.4(JAK1):c.2473A>G (p.Thr825Ala)

Gene: JAK1 (Janus kinase 1; minus strand). Cytogenetic location: 1p31.3.
Variant type: single nucleotide variant.
Coding change: c.2473A>G on transcript NM_002227.4 (MANE Select); coding-DNA position 2473, A replaced by G.
Protein change: p.Thr825Ala; replaces threonine 825 with alanine.
Molecular consequence: missense variant.
Genome position (GRCh38, 1-based): chr1:64,841,532, T>C on the plus strand (A>G on the coding strand, the complement: JAK1 is on the minus strand). VCF-style: chr1-64841532-T-C. GRCh37 (hg19) VCF-style: chr1-65307215-T-C.
Other names: c.2473A>G, p.Thr825Ala (NM_001320923.2, NM_001321852.2, NM_001321853.2 and 3 more transcripts); c.2470A>G, p.Thr824Ala (NM_001321857.2); short protein forms T824A, T825A.
Identifiers: ClinVar variation 2013538 (VCV002013538.4), dbSNP rs1200775279, ClinGen allele CA340666227.

ClinVar aggregate classification (germline): Uncertain significance (1 of 4 stars; one submission).

Submission:

Labcorp Genetics (formerly Invitae), Labcorp
Classification: Uncertain significance. Last evaluated: 2022-07-14. Review status: criteria provided, single submitter. Criteria: Invitae Variant Classification Sherloc (09022015). Collection method: clinical testing. Allele origin: germline.
Comment: In summary, the available evidence is currently insufficient to determine the role of this variant in disease. Therefore, it has been classified as a Variant of Uncertain Significance. Algorithms developed to predict the effect of missense changes on protein structure and function are either unavailable or do not agree on the potential impact of this missense change (SIFT: "Not Available"; PolyPhen-2: "Benign"; Align-GVGD: "Not Available"). This variant has not been reported in the literature in individuals affected with JAK1-related conditions. This variant is not present in population databases (gnomAD no frequency). This sequence change replaces threonine, which is neutral and polar, with alanine, which is neutral and non-polar, at codon 825 of the JAK1 protein (p.Thr825Ala).